The following is an entry in ClinVar:

NM_001077350.3(NPRL3):c.826A>G (p.Ile276Val)

Genes: HBA-LCR (alpha-globin locus control region; plus strand), NPRL3 (NPR3 like, GATOR1 complex subunit; minus strand). Cytogenetic location: 16p13.3.
Variant type: single nucleotide variant.
Coding change: c.826A>G on transcript NM_001077350.3 (MANE Select); coding-DNA position 826, A replaced by G.
Protein change: p.Ile276Val; replaces isoleucine 276 with valine.
Molecular consequence: missense variant.
Genome position (GRCh38, 1-based): chr16:98,243, T>C on the plus strand (A>G on the coding strand, the complement: NPRL3 is on the minus strand). VCF-style: chr16-98243-T-C. GRCh37 (hg19) VCF-style: chr16-148241-T-C.
Other names: c.289A>G, p.Ile97Val (NM_001039476.3); c.592A>G, p.Ile198Val (NM_001243247.2); c.751A>G, p.Ile251Val (NM_001243248.2, NM_001243249.2); short protein forms I251V, I97V, I198V, I276V.
Identifiers: ClinVar variation 954579 (VCV000954579.8), dbSNP rs764890667, ClinGen allele CA7769528.

ClinVar aggregate classification (germline): Uncertain significance (1 of 4 stars; one submission).

Conditions:
Epilepsy, familial focal, with variable foci 3 (FFEVF3). Identifiers: MedGen C4310708, MONDO:0014925, OMIM 617118.

Allele frequency attached by ClinVar (database versions not stated): gnomAD exomes below 0.00001; TOPMed below 0.00001; ExAC 0.00001; gnomAD 0.00001.
gnomAD v4.1: 4 of 1,613,768 alleles (0.00025%); highest among the groups gnomAD compares: Non-Finnish European, 0.00034%; no homozygotes.

Submission:

Labcorp Genetics (formerly Invitae), Labcorp
Classification: Uncertain significance for Epilepsy, familial focal, with variable foci 3. Last evaluated: 2019-11-11. Review status: criteria provided, single submitter. Criteria: Invitae Variant Classification Sherloc (09022015). Collection method: clinical testing. Allele origin: germline.
Comment: In summary, the available evidence is currently insufficient to determine the role of this variant in disease. Therefore, it has been classified as a Variant of Uncertain Significance. Algorithms developed to predict the effect of missense changes on protein structure and function output the following: SIFT: "Tolerated"; PolyPhen-2: "Benign"; Align-GVGD: "Class C0". The valine amino acid residue is found in multiple mammalian species, suggesting that this missense change does not adversely affect protein function. These predictions have not been confirmed by published functional studies and their clinical significance is uncertain. This variant has not been reported in the literature in individuals with NPRL3-related conditions. This variant is present in population databases (rs764890667, ExAC 0.002%). This sequence change replaces isoleucine with valine at codon 276 of the NPRL3 protein (p.Ile276Val). The isoleucine residue is weakly conserved and there is a small physicochemical difference between isoleucine and valine.